The following is an entry in ClinVar:

NM_031407.7(HUWE1):c.2940G>C (p.Lys980Asn)

Gene: HUWE1 (HECT, UBA and WWE domain containing E3 ubiquitin protein ligase 1; minus strand). Cytogenetic location: Xp11.22.
Variant type: single nucleotide variant.
Coding change: c.2940G>C on transcript NM_031407.7 (MANE Select); coding-DNA position 2940, G replaced by C.
Protein change: p.Lys980Asn; replaces lysine 980 with asparagine.
Molecular consequence: missense variant.
Genome position (GRCh38, 1-based): chrX:53,602,595, C>G on the plus strand (G>C on the coding strand, the complement: HUWE1 is on the minus strand). VCF-style: chrX-53602595-C-G. GRCh37 (hg19) VCF-style: chrX-53629556-C-G.
Other names: short protein forms K980N.
Identifiers: ClinVar variation 2501453 (VCV002501453.1), dbSNP rs2526759373, ClinGen allele CA413180240.

ClinVar aggregate classification (germline): Uncertain significance (1 of 4 stars; one submission).

Submission:

GeneDx
Classification: Uncertain significance. Last evaluated: 2022-11-07. Review status: criteria provided, single submitter. Criteria: GeneDx Variant Classification Process June 2021. Collection method: clinical testing. Allele origin: germline. Affected: yes.
Comment: Not observed at significant frequency in large population cohorts (gnomAD); In silico analysis supports that this missense variant does not alter protein structure/function; Has not been previously published as pathogenic or benign to our knowledge